The following is an entry in ClinVar:

ClinVar aggregate classification (germline): Benign. Review status: criteria provided, multiple submitters, no conflicts (2 of 4 stars). 2 submissions from 2 submitters: Benign (2). Last evaluated 2018-06-14.

Allele frequency attached by ClinVar (database versions not stated): 1000 Genomes Project 0.05232; 1000 Genomes Project 30x 0.05450; TOPMed 0.09132; gnomAD 0.09538 and 0.09872.
gnomAD v4.1: 157,017 of 1,373,236 alleles (11%); highest among the groups gnomAD compares: Non-Finnish European, 13%; 10,396 homozygotes.

Submissions (2):

GeneDx
Classification: Benign. Last evaluated: 2018-06-14. Review status: criteria provided, single submitter. Criteria: GeneDx Variant Classification (06012015). Collection method: clinical testing. Allele origin: germline. Affected: yes.
Comment: This variant is considered likely benign or benign based on one or more of the following criteria: it is a conservative change, it occurs at a poorly conserved position in the protein, it is predicted to be benign by multiple in silico algorithms, and/or has population frequency not consistent with disease.

Breakthrough Genomics
Classification: Benign. Review status: criteria provided, single submitter. Criteria: ACMG Guidelines, 2015. Collection method: not provided. Allele origin: germline. Inheritance: Autosomal recessive inheritance. Affected: yes.

NM_000942.5(PPIB):c.529-116T>A

Genes: PPIB (peptidylprolyl isomerase B; minus strand), SNX22 (sorting nexin 22; plus strand). Cytogenetic location: 15q22.31.
Variant type: single nucleotide variant.
Coding change: c.529-116T>A on transcript NM_000942.5 (MANE Select); 116 bases into the intron before coding-DNA position 529, T replaced by A.
Molecular consequence: intron variant. On other transcripts: 3 prime UTR variant (1), non-coding transcript variant (1).
Genome position (GRCh38, 1-based): chr15:64,156,261, A>T on the plus strand (T>A on the coding strand, the complement: PPIB is on the minus strand). VCF-style: chr15-64156261-A-T. GRCh37 (hg19) VCF-style: chr15-64448460-A-T.
Other names: c.*1753A>T (NM_024798.3).
Identifiers: ClinVar variation 675189 (VCV000675189.2), dbSNP rs41434449, ClinGen allele CA14202333.